The following is an entry in ClinVar:

ClinVar aggregate classification (germline): Uncertain significance (1 of 4 stars; one submission).

Conditions:
Werner syndrome (WRN). Identifiers: Orphanet 902, MedGen C0043119, MONDO:0010196, OMIM 277700.

Allele frequency attached by ClinVar (database versions not stated): TOPMed 0.00001.
gnomAD v4.1: 9 of 1,613,346 alleles (0.00056%); highest among the groups gnomAD compares: Non-Finnish European, 0.00076%; no homozygotes.

Submission:

Labcorp Genetics (formerly Invitae), Labcorp
Classification: Uncertain significance for Werner syndrome. Last evaluated: 2023-12-11. Review status: criteria provided, single submitter. Criteria: Invitae Variant Classification Sherloc (09022015). Collection method: clinical testing. Allele origin: germline.
Comment: This sequence change replaces isoleucine, which is neutral and non-polar, with serine, which is neutral and polar, at codon 1352 of the WRN protein (p.Ile1352Ser). This variant is present in population databases (no rsID available, gnomAD 0.007%). This variant has not been reported in the literature in individuals affected with WRN-related conditions. ClinVar contains an entry for this variant (Variation ID: 568692). An algorithm developed to predict the effect of missense changes on protein structure and function (PolyPhen-2) suggests that this variant is likely to be disruptive. In summary, the available evidence is currently insufficient to determine the role of this variant in disease. Therefore, it has been classified as a Variant of Uncertain Significance.

NM_000553.6(WRN):c.4055T>G (p.Ile1352Ser)

Gene: WRN (WRN RecQ like helicase; plus strand). Cytogenetic location: 8p12.
Variant type: single nucleotide variant.
Coding change: c.4055T>G on transcript NM_000553.6 (MANE Select); coding-DNA position 4055, T replaced by G.
Protein change: p.Ile1352Ser; replaces isoleucine 1352 with serine.
Molecular consequence: missense variant.
Genome position (GRCh38, 1-based): chr8:31,167,094, T>G. VCF-style: chr8-31167094-T-G. GRCh37 (hg19) VCF-style: chr8-31024610-T-G.
Other names: short protein forms I1352S.
Identifiers: ClinVar variation 568692 (VCV000568692.5), dbSNP rs1060500065, ClinGen allele CA370909114.